The following is an entry in ClinVar:

NM_002524.5(NRAS):c.*2464A>G

Gene: NRAS (NRAS proto-oncogene, GTPase; minus strand). Cytogenetic location: 1p13.2.
Variant type: single nucleotide variant.
Coding change: c.*2464A>G on transcript NM_002524.5 (MANE Select); 2464 bases downstream of the stop codon, A replaced by G.
Molecular consequence: 3 prime UTR variant.
Genome position (GRCh38, 1-based): chr1:114,705,630, T>C on the plus strand (A>G on the coding strand, the complement: NRAS is on the minus strand). VCF-style: chr1-114705630-T-C. GRCh37 (hg19) VCF-style: chr1-115248251-T-C.
Identifiers: ClinVar variation 291959 (VCV000291959.5), dbSNP rs140878667, ClinGen allele CA10607482.

ClinVar aggregate classification (germline): Likely benign (1 of 4 stars; one submission).

Conditions:
Noonan syndrome 6 (NS6). Also called: NRAS-Related Noonan Syndrome. Identifiers: Orphanet 648, MedGen C2750732, MONDO:0013186, OMIM 613224.

Allele frequency attached by ClinVar (database versions not stated): gnomAD 0.00029 and 0.00041; TOPMed 0.00029; 1000 Genomes Project 30x 0.00125; 1000 Genomes Project 0.00140.

Submission:

Illumina Laboratory Services, Illumina
Classification: Likely benign for Noonan syndrome 6. Last evaluated: 2018-01-13. Review status: criteria provided, single submitter. Criteria: ICSL Variant Classification Criteria 13 December 2019. Collection method: clinical testing. Allele origin: germline.
Comment: This variant was observed in the ICSL laboratory as part of a predisposition screen in an ostensibly healthy population. It had not been previously curated by ICSL or reported in the Human Gene Mutation Database (HGMD: prior to June 1st, 2018), and was therefore a candidate for classification through an automated scoring system. Utilizing variant allele frequency, disease prevalence and penetrance estimates, and inheritance mode, an automated score was calculated to assess if this variant is too frequent to cause the disease. Based on the score and internal cut-off values, a variant classified as likely benign is not then subjected to further curation. The score for this variant resulted in a classification of likely benign for this disease.